The following is an entry in ClinVar:

NM_024675.4(PALB2):c.1301A>C (p.Asp434Ala)

Gene: PALB2 (partner and localizer of BRCA2; minus strand). Cytogenetic location: 16p12.2.
Variant type: single nucleotide variant.
Coding change: c.1301A>C on transcript NM_024675.4 (MANE Select); coding-DNA position 1301, A replaced by C.
Protein change: p.Asp434Ala; replaces aspartic acid 434 with alanine.
Molecular consequence: missense variant.
Genome position (GRCh38, 1-based): chr16:23,635,245, T>G on the plus strand (A>C on the coding strand, the complement: PALB2 is on the minus strand). VCF-style: chr16-23635245-T-G. GRCh37 (hg19) VCF-style: chr16-23646566-T-G.
Other names: short protein forms D434A.
Identifiers: ClinVar variation 492156 (VCV000492156.15), dbSNP rs757972600, ClinGen allele CA7963721.

ClinVar aggregate classification (germline): Conflicting classifications of pathogenicity. Review status: criteria provided, conflicting classifications (1 of 4 stars). 3 submissions from 3 submitters: Uncertain significance (2); Likely benign (1). Last evaluated 2024-09-26.

Conditions:
Hereditary cancer-predisposing syndrome. Also called: Hereditary neoplastic syndrome; Tumor predisposition; Hereditary Cancer Syndrome; Neoplastic Syndromes, Hereditary. Identifiers: Orphanet 140162, MedGen C0027672, MeSH D009386, MONDO:0015356.
Familial cancer of breast. Also called: Hereditary breast cancer; hereditary breast carcinoma; BREAST CANCER, FAMILIAL. Identifiers: Orphanet 227535, MedGen C0346153, MONDO:0016419, OMIM 114480. Disease mechanism: loss of function.

Allele frequency attached by ClinVar (database versions not stated): ExAC 0.00002.
gnomAD v4.1: 4 of 1,614,184 alleles (0.00025%); highest among the groups gnomAD compares: Non-Finnish European, 0.00034%; no homozygotes.

Submissions (3):

Ambry Genetics
Classification: Likely benign for Hereditary cancer-predisposing syndrome. Last evaluated: 2024-09-26. Review status: criteria provided, single submitter. Criteria: Ambry Variant Classification Scheme 2023. Collection method: clinical testing. Allele origin: germline.

Labcorp Genetics (formerly Invitae), Labcorp
Classification: Uncertain significance for Familial cancer of breast. Last evaluated: 2024-07-04. Review status: criteria provided, single submitter. Criteria: Invitae Variant Classification Sherloc (09022015). Collection method: clinical testing. Allele origin: germline.
Comment: This sequence change replaces aspartic acid, which is acidic and polar, with alanine, which is neutral and non-polar, at codon 434 of the PALB2 protein (p.Asp434Ala). This variant is present in population databases (rs757972600, gnomAD 0.003%). This variant has not been reported in the literature in individuals affected with PALB2-related conditions. ClinVar contains an entry for this variant (Variation ID: 492156). Advanced modeling of protein sequence and biophysical properties (such as structural, functional, and spatial information, amino acid conservation, physicochemical variation, residue mobility, and thermodynamic stability) performed at Invitae indicates that this missense variant is not expected to disrupt PALB2 protein function with a negative predictive value of 80%. In summary, the available evidence is currently insufficient to determine the role of this variant in disease. Therefore, it has been classified as a Variant of Uncertain Significance.

Color Diagnostics, LLC DBA Color Health
Classification: Uncertain significance for Hereditary cancer-predisposing syndrome. Last evaluated: 2023-12-05. Review status: criteria provided, single submitter. Criteria: ACMG Guidelines, 2015. Collection method: clinical testing. Allele origin: germline.
Comment: This missense variant replaces aspartic acid with alanine at codon 434 of the PALB2 protein. Computational prediction suggests that this variant may not impact protein structure and function (internally defined REVEL score threshold <= 0.5, PMID: 27666373). To our knowledge, functional studies have not been reported for this variant. This variant has not been reported in individuals affected with PALB2-related disorders in the literature. This variant has been identified in 3/250102 chromosomes in the general population by the Genome Aggregation Database (gnomAD). The available evidence is insufficient to determine the role of this variant in disease conclusively. Therefore, this variant is classified as a Variant of Uncertain Significance.